The following is an entry in ClinVar:

ClinVar aggregate classification (germline): Conflicting classifications of pathogenicity. Review status: criteria provided, conflicting classifications (1 of 4 stars). 2 submissions from 2 submitters: Uncertain significance (1); Likely benign (1). Last evaluated 2025-05-19.

Conditions:
Hereditary breast ovarian cancer syndrome. Also called: Hereditary breast and ovarian cancer syndrome; Hereditary breast and ovarian cancer; Hereditary breast and ovarian cancer syndrome (HBOC); Breast and ovarian cancer; Hereditary breast and/or ovarian cancer syndrome; BRCA1- and BRCA2-Associated Hereditary Breast and Ovarian Cancer. Identifiers: Orphanet 145, MedGen C0677776, MeSH D061325, MONDO:0003582. Disease mechanism: loss of function.
Hereditary cancer-predisposing syndrome. Also called: Neoplastic Syndromes, Hereditary; Tumor predisposition; Hereditary neoplastic syndrome; Hereditary Cancer Syndrome. Identifiers: Orphanet 140162, MedGen C0027672, MeSH D009386, MONDO:0015356.

Submissions (2):

Ambry Genetics
Classification: Likely benign for Hereditary cancer-predisposing syndrome. Last evaluated: 2025-05-19. Review status: criteria provided, single submitter. Criteria: Ambry Variant Classification Scheme 2023. Collection method: clinical testing. Allele origin: germline.

Labcorp Genetics (formerly Invitae), Labcorp
Classification: Uncertain significance for Hereditary breast ovarian cancer syndrome. Last evaluated: 2024-10-28. Review status: criteria provided, single submitter. Criteria: Invitae Variant Classification Sherloc (09022015). Collection method: clinical testing. Allele origin: germline.
Comment: This sequence change replaces cysteine, which is neutral and slightly polar, with tyrosine, which is neutral and polar, at codon 2646 of the BRCA2 protein (p.Cys2646Tyr). This variant is not present in population databases (gnomAD no frequency). This variant has not been reported in the literature in individuals affected with BRCA2-related conditions. ClinVar contains an entry for this variant (Variation ID: 827344). Invitae Evidence Modeling of protein sequence and biophysical properties (such as structural, functional, and spatial information, amino acid conservation, physicochemical variation, residue mobility, and thermodynamic stability) indicates that this missense variant is not expected to disrupt BRCA2 protein function with a negative predictive value of 95%. In summary, the available evidence is currently insufficient to determine the role of this variant in disease. Therefore, it has been classified as a Variant of Uncertain Significance.

NM_000059.4(BRCA2):c.7937G>A (p.Cys2646Tyr)

Gene: BRCA2 (BRCA2 DNA repair associated; plus strand). Cytogenetic location: 13q13.1.
Variant type: single nucleotide variant.
Coding change: c.7937G>A on transcript NM_000059.4 (MANE Select); coding-DNA position 7937, G replaced by A.
Protein change: p.Cys2646Tyr; replaces cysteine 2646 with tyrosine.
Molecular consequence: missense variant.
Genome position (GRCh38, 1-based): chr13:32,362,654, G>A. VCF-style: chr13-32362654-G-A. GRCh37 (hg19) VCF-style: chr13-32936791-G-A.
Other names: short protein forms C2646Y.
Identifiers: ClinVar variation 827344 (VCV000827344.7), dbSNP rs952496908, ClinGen allele CA247475247.